The following is an entry in ClinVar:

ClinVar aggregate classification (germline): Uncertain significance (1 of 4 stars; one submission).

Conditions:
Inborn genetic diseases. Identifiers: MedGen C0950123, MeSH D030342.

gnomAD v4.1: 1 of 1,613,548 alleles (0.000062%); highest among the groups gnomAD compares: Non-Finnish European, 0.000085%; no homozygotes.

Submission:

Ambry Genetics
Classification: Uncertain significance for Inborn genetic diseases. Last evaluated: 2026-01-11. Review status: criteria provided, single submitter. Criteria: Ambry Variant Classification Scheme 2023. Collection method: clinical testing. Allele origin: germline.
Comment: The p.R620L variant (also known as c.1859G>T), located in coding exon 13 of the ASXL1 gene, results from a G to T substitution at nucleotide position 1859. The arginine at codon 620 is replaced by leucine, an amino acid with dissimilar properties. This amino acid position is conserved. In addition, this alteration is predicted to be tolerated by in silico analysis. Based on the available evidence, the clinical significance of this variant remains unclear.

NM_015338.6(ASXL1):c.1859G>T (p.Arg620Leu)

Gene: ASXL1 (ASXL transcriptional regulator 1; plus strand). Cytogenetic location: 20q11.21.
Variant type: single nucleotide variant.
Coding change: c.1859G>T on transcript NM_015338.6 (MANE Select); coding-DNA position 1859, G replaced by T.
Protein change: p.Arg620Leu; replaces arginine 620 with leucine.
Molecular consequence: missense variant.
Genome position (GRCh38, 1-based): chr20:32,434,571, G>T. VCF-style: chr20-32434571-G-T. GRCh37 (hg19) VCF-style: chr20-31022374-G-T.
Other names: c.1676G>T, p.Arg559Leu (NM_001363734.1); short protein forms R620L, R559L.
Identifiers: ClinVar variation 4843670 (VCV004843670.1).